The following is an entry in ClinVar:

NM_000396.4(CTSK):c.301_386dup (p.Val130fs)

Gene: CTSK (cathepsin K; minus strand). Cytogenetic location: 1q21.3.
Variant type: Duplication.
Coding change: c.301_386dup on transcript NM_000396.4 (MANE Select); coding-DNA positions 301 to 386, 86 bases duplicated.
Protein change: p.Val130fs; shifts the reading frame from valine 130.
Molecular consequence: frameshift variant.
Genome position (GRCh38, 1-based): chr1:150,805,874-150,805,959, 86 bases duplicated. GRCh37 (hg19): chr1:150,778,353-150,778,438.
Other names: short protein forms V130fs.
Identifiers: ClinVar variation 950736 (VCV000950736.7), dbSNP rs1654079940, ClinGen allele CA1139656301.

ClinVar aggregate classification (germline): Pathogenic (1 of 4 stars; one submission).

Submission:

Labcorp Genetics (formerly Invitae), Labcorp
Classification: Pathogenic. Last evaluated: 2019-06-18. Review status: criteria provided, single submitter. Criteria: Invitae Variant Classification Sherloc (09022015). Collection method: clinical testing. Allele origin: germline.
Comment: For these reasons, this variant has been classified as Pathogenic. Loss-of-function variants in CTSK are known to be pathogenic (PMID: 12125807, 21569238). Algorithms developed to predict the effect of sequence changes on RNA splicing suggest that this variant may create or strengthen a splice site, but this prediction has not been confirmed by published transcriptional studies. This variant has not been reported in the literature in individuals with CTSK-related conditions. This variant is not present in population databases (ExAC no frequency). This sequence change creates a premature translational stop signal (p.Val130Alafs*60) in the CTSK gene. It is expected to result in an absent or disrupted protein product.

Literature cited by the submitters: PubMed 12125807; PubMed 21569238.